The following is an entry in ClinVar:

NM_001165963.4(SCN1A):c.3361G>T (p.Glu1121Ter)

Genes: SCN1A (sodium voltage-gated channel alpha subunit 1; minus strand), LOC102724058 (uncharacterized LOC102724058; plus strand). Cytogenetic location: 2q24.3.
Variant type: single nucleotide variant.
Coding change: c.3361G>T on transcript NM_001165963.4 (MANE Select); coding-DNA position 3361, G replaced by T.
Protein change: p.Glu1121Ter; replaces glutamic acid 1121 with a stop codon.
Molecular consequence: nonsense. On other transcripts: non-coding transcript variant (2).
Genome position (GRCh38, 1-based): chr2:166,036,116, C>A on the plus strand (G>T on the coding strand, the complement: SCN1A is on the minus strand). VCF-style: chr2-166036116-C-A. GRCh37 (hg19) VCF-style: chr2-166892626-C-A.
Other names: p.E1121*:GAA>TAA; c.3277G>T, p.Glu1093Ter (NM_001165964.3, NM_001353957.2, NM_001353958.2); c.3361G>T, p.Glu1121Ter (NM_001202435.3, NM_001353948.2); c.3328G>T, p.Glu1110Ter (NM_001353949.2, NM_001353950.2, NM_001353951.2 and 2 more transcripts); c.3325G>T, p.Glu1109Ter (NM_001353954.2, NM_001353955.2); c.3274G>T, p.Glu1092Ter (NM_001353960.2); c.919G>T, p.Glu307Ter (NM_001353961.2); short protein forms E1110*, E1121*, E1092*, E307*, E1093*, E1109*.
Identifiers: ClinVar variation 206798 (VCV000206798.2), dbSNP rs796052993, ClinGen allele CA317355.

ClinVar aggregate classification (germline): Pathogenic (1 of 4 stars; one submission).

Submission:

GeneDx
Classification: Pathogenic. Last evaluated: 2013-05-27. Review status: criteria provided, single submitter. Criteria: GeneDx Variant Classification (06012015). Collection method: clinical testing. Allele origin: germline. Affected: yes.
Comment: p.Glu1121Stop (GAA>TAA): c.3361 G>T in exon 16 of the SCN1A gene (NM_001165963.1) The Glu1121Stop nonsense mutation in the SCN1A gene is predicted to cause loss of normal protein function either through protein truncation or nonsense-mediated mRNA decay. The variant is found in INFANT-EPI panel(s).